The following is an entry in ClinVar:

ClinVar aggregate classification (germline): Uncertain significance (1 of 4 stars; one submission).

Conditions:
Inborn genetic diseases. Identifiers: MedGen C0950123, MeSH D030342.

Submission:

Ambry Genetics
Classification: Uncertain significance for Inborn genetic diseases. Last evaluated: 2025-05-21. Review status: criteria provided, single submitter. Criteria: Ambry Variant Classification Scheme 2023. Collection method: clinical testing. Allele origin: germline.
Comment: The p.Q265L variant (also known as c.794A>T), located in coding exon 7 of the BUB1B gene, results from an A to T substitution at nucleotide position 794. The glutamine at codon 265 is replaced by leucine, an amino acid with dissimilar properties. This amino acid position is conserved. In addition, this alteration is predicted to be tolerated by in silico analysis. Based on the available evidence, the clinical significance of this variant remains unclear.

NM_001211.6(BUB1B):c.794A>T (p.Gln265Leu)

Gene: BUB1B (BUB1 mitotic checkpoint serine/threonine kinase B; plus strand). Cytogenetic location: 15q15.1.
Variant type: single nucleotide variant.
Coding change: c.794A>T on transcript NM_001211.6 (MANE Select); coding-DNA position 794, A replaced by T.
Protein change: p.Gln265Leu; replaces glutamine 265 with leucine.
Molecular consequence: missense variant.
Genome position (GRCh38, 1-based): chr15:40,185,207, A>T. VCF-style: chr15-40185207-A-T. GRCh37 (hg19) VCF-style: chr15-40477408-A-T.
Other names: short protein forms Q265L.
Identifiers: ClinVar variation 3993730 (VCV003993730.1).